The following is an entry in ClinVar:

NM_001377.3(DYNC2H1):c.1679G>A (p.Arg560Gln)

Gene: DYNC2H1 (dynein cytoplasmic 2 heavy chain 1; plus strand). Cytogenetic location: 11q22.3.
Variant type: single nucleotide variant.
Coding change: c.1679G>A on transcript NM_001377.3 (MANE Select); coding-DNA position 1679, G replaced by A.
Protein change: p.Arg560Gln; replaces arginine 560 with glutamine.
Molecular consequence: missense variant.
Genome position (GRCh38, 1-based): chr11:103,125,117, G>A. VCF-style: chr11-103125117-G-A. GRCh37 (hg19) VCF-style: chr11-102995846-G-A.
Other names: c.1679G>A, p.Arg560Gln (NM_001080463.2); short protein forms R560Q.
Identifiers: ClinVar variation 389244 (VCV000389244.9), dbSNP rs561232842, ClinGen allele CA6252860.

ClinVar aggregate classification (germline): Likely benign. Review status: criteria provided, multiple submitters, no conflicts (2 of 4 stars). 3 submissions from 3 submitters: Likely benign (3). Last evaluated 2025-10-02.

Conditions:
Jeune thoracic dystrophy. Also called: Jeune syndrome; Infantile thoracic dystrophy; Thoracic pelvic phalangeal dystrophy; Jeune's syndrome; Chondroectodermal dysplasia-like syndrome; Short-rib thoracic dysplasia. Identifiers: Orphanet 474, MedGen C0265275, MONDO:0018770.

gnomAD v4.1: 148 of 1,612,532 alleles (0.0092%); highest among the groups gnomAD compares: South Asian, 0.13%; 2 homozygotes.

Submissions (3):

Labcorp Genetics (formerly Invitae), Labcorp
Classification: Likely benign for Jeune thoracic dystrophy. Last evaluated: 2025-10-02. Review status: criteria provided, single submitter. Criteria: Invitae Variant Classification Sherloc (09022015). Collection method: clinical testing. Allele origin: germline.

Blueprint Genetics
Classification: Likely benign. Last evaluated: 2024-06-10. Review status: criteria provided, single submitter. Criteria: ACMG Guidelines, 2015. Collection method: clinical testing. Allele origin: germline.

GeneDx
Classification: Likely benign. Last evaluated: 2016-09-12. Review status: criteria provided, single submitter. Criteria: GeneDx Variant Classification (06012015). Collection method: clinical testing. Allele origin: germline. Affected: yes.
Comment: This variant is considered likely benign or benign based on one or more of the following criteria: it is a conservative change, it occurs at a poorly conserved position in the protein, it is predicted to be benign by multiple in silico algorithms, and/or has population frequency not consistent with disease.